The following is an entry in ClinVar:

ClinVar aggregate classification (germline): Uncertain significance (1 of 4 stars; one submission).

Submission:

GeneDx
Classification: Uncertain significance. Last evaluated: 2022-09-19. Review status: criteria provided, single submitter. Criteria: GeneDx Variant Classification Process June 2021. Collection method: clinical testing. Allele origin: germline. Affected: yes.
Comment: Not observed at significant frequency in large population cohorts (gnomAD); In silico analysis supports that this missense variant does not alter protein structure/function; Has not been previously published as pathogenic or benign to our knowledge

NM_021922.3(FANCE):c.637G>C (p.Gly213Arg)

Gene: FANCE (FA complementation group E; plus strand). Cytogenetic location: 6p21.31.
Variant type: single nucleotide variant.
Coding change: c.637G>C on transcript NM_021922.3 (MANE Select); coding-DNA position 637, G replaced by C.
Protein change: p.Gly213Arg; replaces glycine 213 with arginine.
Molecular consequence: missense variant.
Genome position (GRCh38, 1-based): chr6:35,456,135, G>C. VCF-style: chr6-35456135-G-C. GRCh37 (hg19) VCF-style: chr6-35423912-G-C.
Other names: c.637G>C, p.Gly213Arg (NM_001410876.1); short protein forms G213R.
Identifiers: ClinVar variation 2444831 (VCV002444831.1), dbSNP rs2533660351, ClinGen allele CA363773387.